The following is an entry in ClinVar:

NM_058216.3(RAD51C):c.1065T>G (p.Cys355Trp)

Gene: RAD51C (RAD51 paralog C; plus strand). Cytogenetic location: 17q22.
Variant type: single nucleotide variant.
Coding change: c.1065T>G on transcript NM_058216.3 (MANE Select); coding-DNA position 1065, T replaced by G.
Protein change: p.Cys355Trp; replaces cysteine 355 with tryptophan.
Molecular consequence: missense variant. On other transcripts: non-coding transcript variant (1).
Genome position (GRCh38, 1-based): chr17:58,734,156, T>G. VCF-style: chr17-58734156-T-G. GRCh37 (hg19) VCF-style: chr17-56811517-T-G.
Other names: short protein forms C355W.
Identifiers: ClinVar variation 4780875 (VCV004780875.1).
Genomic context (GRCh38, chr17:58,734,156, plus strand): 5'-ATATATATTTTTTATCTTTCAGCCTCAGGGATTTAGAGATACTGTTGTTACTTCTGCATG[T>G]TCATTGCAAACAGAAGGTTCCTTGAGCACCCGGAAACGGTCACGAGACCCAGAGGAAGAA-3'
Protein context (NP_478123.1, residues 345-365): GFRDTVVTSA[Cys355Trp]SLQTEGSLST

ClinVar aggregate classification (germline): Uncertain significance (1 of 4 stars; one submission).

Conditions:
Fanconi anemia complementation group O. Also called: RAD51C-Related Fanconi Anemia. Identifiers: Orphanet 84, MedGen C3150653, MONDO:0013248, OMIM 613390.

Submission:

Labcorp Genetics (formerly Invitae), Labcorp
Classification: Uncertain significance for Fanconi anemia complementation group O. Last evaluated: 2025-05-06. Review status: criteria provided, single submitter. Criteria: Invitae Variant Classification Sherloc (09022015). Collection method: clinical testing. Allele origin: germline.
Comment: This sequence change replaces cysteine, which is neutral and slightly polar, with tryptophan, which is neutral and slightly polar, at codon 355 of the RAD51C protein (p.Cys355Trp). This variant is not present in population databases (gnomAD no frequency). This variant has not been reported in the literature in individuals affected with RAD51C-related conditions. An algorithm developed to predict the effect of missense changes on protein structure and function (PolyPhen-2) suggests that this variant is likely to be tolerated. In summary, the available evidence is currently insufficient to determine the role of this variant in disease. Therefore, it has been classified as a Variant of Uncertain Significance.